The following is an entry in ClinVar:

NM_005982.4(SIX1):c.220C>T (p.Gln74Ter)

Gene: SIX1 (SIX homeobox 1; minus strand). Cytogenetic location: 14q23.1.
Variant type: single nucleotide variant.
Coding change: c.220C>T on transcript NM_005982.4 (MANE Select); coding-DNA position 220, C replaced by T.
Protein change: p.Gln74Ter; replaces glutamine 74 with a stop codon.
Molecular consequence: nonsense.
Genome position (GRCh38, 1-based): chr14:60,648,970, G>A on the plus strand (C>T on the coding strand, the complement: SIX1 is on the minus strand). VCF-style: chr14-60648970-G-A. GRCh37 (hg19) VCF-style: chr14-61115688-G-A.
Other names: c.220C>T, p.Gln74Ter (NM_001425142.1); short protein forms Q74*.
Identifiers: ClinVar variation 2663625 (VCV002663625.1), dbSNP rs2502644465, ClinGen allele CA389910777.
Genomic context (GRCh38, chr14:60,648,970, plus strand): 5'-CCACGTAATGCGCCTTCAGCCACAGTTGCTGCAGTTTGGGGTGGTTGTGAGGCGAGAACT[G>A]GTGGCTCTCCAGGATCTTGTAGAGCTCACGGAAGTTGCCGCGGTGGAAGGCGACCACCGC-3'

ClinVar aggregate classification (germline): Uncertain significance (1 of 4 stars; one submission).

Submission:

GeneDx
Classification: Uncertain significance. Last evaluated: 2023-05-05. Review status: criteria provided, single submitter. Criteria: GeneDx Variant Classification Process June 2021. Collection method: clinical testing. Allele origin: germline. Affected: yes.
Comment: Not observed at significant frequency in large population cohorts (gnomAD); Nonsense variant predicted to result in protein truncation or nonsense mediated decay in a gene or region of a gene for which loss of function is not a well-established mechanism of disease; Has not been previously published as pathogenic or benign to our knowledge